The following is an entry in ClinVar:

NM_207361.6(FREM2):c.5003G>A (p.Arg1668His)

Gene: FREM2 (FRAS1 related extracellular matrix 2; plus strand). Cytogenetic location: 13q13.3.
Variant type: single nucleotide variant.
Coding change: c.5003G>A on transcript NM_207361.6 (MANE Select); coding-DNA position 5003, G replaced by A.
Protein change: p.Arg1668His; replaces arginine 1668 with histidine.
Molecular consequence: missense variant.
Genome position (GRCh38, 1-based): chr13:38,692,347, G>A. VCF-style: chr13-38692347-G-A. GRCh37 (hg19) VCF-style: chr13-39266484-G-A.
Other names: p.Arg1668His; short protein forms R1668H.
Identifiers: ClinVar variation 193534 (VCV000193534.21), dbSNP rs1868463, ClinGen allele CA200639.

ClinVar aggregate classification (germline): Benign/Likely benign. Review status: criteria provided, multiple submitters, no conflicts (2 of 4 stars). 8 submissions from 8 submitters: Benign (7); Likely benign (1). Last evaluated 2026-02-04.

Conditions:
Fraser syndrome 2 (FRASRS2). Identifiers: MedGen C4540036, MONDO:0054738, OMIM 617666.

Allele frequency attached by ClinVar (database versions not stated): ESP Exome Variant Server 0.04829; gnomAD 0.05268; TOPMed 0.06154; 1000 Genomes Project 30x 0.11555; 1000 Genomes Project 0.12121.
gnomAD v4.1: 99,895 of 1,603,678 alleles (6.2%); highest among the groups gnomAD compares: East Asian, 26%; 5,201 homozygotes.

Submissions (8):

Labcorp Genetics (formerly Invitae), Labcorp
Classification: Benign. Last evaluated: 2026-02-04. Review status: criteria provided, single submitter. Criteria: Invitae Variant Classification Sherloc (09022015). Collection method: clinical testing. Allele origin: germline.

Blueprint Genetics
Classification: Likely benign. Last evaluated: 2024-11-27. Review status: criteria provided, single submitter. Criteria: ACMG Guidelines, 2015. Collection method: clinical testing. Allele origin: germline.

Mayo Clinic Laboratories, Mayo Clinic
Classification: Benign. Last evaluated: 2022-03-09. Review status: criteria provided, single submitter. Criteria: ACMG Guidelines, 2015. Collection method: clinical testing. Allele origin: germline. Observed: 9 variant alleles.

GeneDx
Classification: Benign. Last evaluated: 2018-11-11. Review status: criteria provided, single submitter. Criteria: GeneDx Variant Classification Process June 2021. Collection method: clinical testing. Allele origin: germline. Affected: yes.

Illumina Laboratory Services, Illumina
Classification: Benign for Fraser syndrome 2. Last evaluated: 2018-01-13. Review status: criteria provided, single submitter. Criteria: ICSL Variant Classification Criteria 13 December 2019. Collection method: clinical testing. Allele origin: germline.
Comment: This variant was observed in the ICSL laboratory as part of a predisposition screen in an ostensibly healthy population. It had not been previously curated by ICSL or reported in the Human Gene Mutation Database (HGMD: prior to June 1st, 2018), and was therefore a candidate for classification through an automated scoring system. Utilizing variant allele frequency, disease prevalence and penetrance estimates, and inheritance mode, an automated score was calculated to assess if this variant is too frequent to cause the disease. Based on the score and internal cut-off values, a variant classified as benign is not then subjected to further curation. The score for this variant resulted in a classification of benign for this disease.

Eurofins Ntd Llc (ga)
Classification: Benign. Last evaluated: 2014-11-15. Review status: criteria provided, single submitter. Criteria: EGL Classification Definitions 2015. Collection method: clinical testing. Allele origin: germline. Observed: 1 variant allele, 1 heterozygote.

Breakthrough Genomics
Classification: Benign. Review status: criteria provided, single submitter. Criteria: ACMG Guidelines, 2015. Collection method: not provided. Allele origin: germline. Inheritance: Autosomal recessive inheritance. Affected: yes.

PreventionGenetics, part of Exact Sciences
Classification: Benign. Review status: criteria provided, single submitter. Criteria: ACMG Guidelines, 2015. Collection method: clinical testing. Allele origin: germline.